The following is an entry in ClinVar:

NM_001203.3(BMPR1B):c.705C>T (p.Thr235=)

Gene: BMPR1B (bone morphogenetic protein receptor type 1B; plus strand). Cytogenetic location: 4q22.3.
Variant type: single nucleotide variant.
Coding change: c.705C>T on transcript NM_001203.3 (MANE Select); coding-DNA position 705, C replaced by T.
Protein change: p.Thr235=; no amino-acid change (threonine 235 retained).
Molecular consequence: synonymous variant.
Genome position (GRCh38, 1-based): chr4:95,129,981, C>T. VCF-style: chr4-95129981-C-T. GRCh37 (hg19) VCF-style: chr4-96051132-C-T.
Other names: c.705C>T, p.Thr235= (NM_001256792.2, NM_001256794.1); c.795C>T, p.Thr265= (NM_001256793.2).
Identifiers: ClinVar variation 350118 (VCV000350118.26), dbSNP rs56083112, ClinGen allele CA3015060.

ClinVar aggregate classification (germline): Benign. Review status: criteria provided, multiple submitters, no conflicts (2 of 4 stars). 3 submissions from 3 submitters: Benign (3). Last evaluated 2026-01-31.

Conditions:
Brachydactyly. Also called: Brachydactyly syndrome; Brachydactyly (disease). Identifiers: MedGen C0221357, MONDO:0021004, HP:0001156.
Acromesomelic dysplasia 3 (AMD3). Also called: CHONDRODYSPLASIA, ACROMESOMELIC, WITH OR WITHOUT GENITAL ANOMALIES; Acromesomelic dysplasia, Demirhan type. Identifiers: MedGen C4225404, MONDO:0012274, OMIM 609441.
Type A2 brachydactyly (BDA2). Also called: BRACHYMESOPHALANGY II; MOHR-WRIEDT TYPE BRACHYDACTYLY; Brachymesophalangy type 2. Identifiers: Orphanet 93396, MedGen C1832702, MONDO:0007216, OMIM 112600, HP:0009372.

Allele frequency attached by ClinVar (database versions not stated): gnomAD 0.00784; ESP Exome Variant Server 0.00884; TOPMed 0.00946; 1000 Genomes Project 30x 0.01202; 1000 Genomes Project 0.01238.
gnomAD v4.1: 2,675 of 1,613,910 alleles (0.17%); highest among the groups gnomAD compares: African/African-American, 2.8%; 28 homozygotes.

Submissions (3):

Labcorp Genetics (formerly Invitae), Labcorp
Classification: Benign for Type A2 brachydactyly; Acromesomelic dysplasia 3. Last evaluated: 2026-01-31. Review status: criteria provided, single submitter. Criteria: Invitae Variant Classification Sherloc (09022015). Collection method: clinical testing. Allele origin: germline.

Illumina Laboratory Services, Illumina
Classification: Benign for Brachydactyly. Last evaluated: 2018-01-12. Review status: criteria provided, single submitter. Criteria: ICSL Variant Classification Criteria 13 December 2019. Collection method: clinical testing. Allele origin: germline.
Comment: This variant was observed in the ICSL laboratory as part of a predisposition screen in an ostensibly healthy population. It had not been previously curated by ICSL or reported in the Human Gene Mutation Database (HGMD: prior to June 1st, 2018), and was therefore a candidate for classification through an automated scoring system. Utilizing variant allele frequency, disease prevalence and penetrance estimates, and inheritance mode, an automated score was calculated to assess if this variant is too frequent to cause the disease. Based on the score and internal cut-off values, a variant classified as benign is not then subjected to further curation. The score for this variant resulted in a classification of benign for this disease.

Breakthrough Genomics
Classification: Benign. Review status: criteria provided, single submitter. Criteria: ACMG Guidelines, 2015. Collection method: not provided. Allele origin: germline. Inheritance: Autosomal recessive inheritance. Affected: yes.